The following is an entry in ClinVar:

NM_016333.4(SRRM2):c.160A>T (p.Asn54Tyr)

Gene: SRRM2 (serine/arginine repetitive matrix 2; plus strand). Cytogenetic location: 16p13.3.
Variant type: single nucleotide variant.
Coding change: c.160A>T on transcript NM_016333.4 (MANE Select); coding-DNA position 160, A replaced by T.
Protein change: p.Asn54Tyr; replaces asparagine 54 with tyrosine.
Molecular consequence: missense variant.
Genome position (GRCh38, 1-based): chr16:2,756,524, A>T. VCF-style: chr16-2756524-A-T. GRCh37 (hg19) VCF-style: chr16-2806525-A-T.
Other names: short protein forms N54Y.
Identifiers: ClinVar variation 2576799 (VCV002576799.1), dbSNP rs2505588769, ClinGen allele CA394403827.

ClinVar aggregate classification (germline): Uncertain significance (1 of 4 stars; one submission).

Submission:

GeneDx
Classification: Uncertain significance. Last evaluated: 2023-02-17. Review status: criteria provided, single submitter. Criteria: GeneDx Variant Classification Process June 2021. Collection method: clinical testing. Allele origin: germline. Affected: yes.
Comment: Not observed at significant frequency in large population cohorts (gnomAD); In silico analysis supports that this missense variant has a deleterious effect on protein structure/function; Has not been previously published as pathogenic or benign to our knowledge